The following is an entry in ClinVar:

ClinVar aggregate classification (germline): Uncertain significance. Review status: criteria provided, multiple submitters, no conflicts (2 of 4 stars). 2 submissions from 2 submitters: Uncertain significance (2). Last evaluated 2025-10-29.

Conditions:
Erythrocytosis, familial, 3 (ECYT3). Identifiers: Orphanet 247511, MedGen C1853286, MONDO:0012353, OMIM 609820.

Submissions (2):

Ambry Genetics
Classification: Uncertain significance. Last evaluated: 2025-10-29. Review status: criteria provided, single submitter. Criteria: Ambry Variant Classification Scheme 2023. Collection method: clinical testing. Allele origin: germline.
Comment: The p.V83M variant (also known as c.247G>A), located in coding exon 1 of the EGLN1 gene, results from a G to A substitution at nucleotide position 247. The valine at codon 83 is replaced by methionine, an amino acid with highly similar properties. This amino acid position is conserved. In addition, this alteration is predicted to be tolerated by in silico analysis. Since supporting evidence is limited at this time, the clinical significance of this alteration remains unclear.

Labcorp Genetics (formerly Invitae), Labcorp
Classification: Uncertain significance for Erythrocytosis, familial, 3. Last evaluated: 2021-06-04. Review status: criteria provided, single submitter. Criteria: Invitae Variant Classification Sherloc (09022015). Collection method: clinical testing. Allele origin: germline.
Comment: In summary, the available evidence is currently insufficient to determine the role of this variant in disease. Therefore, it has been classified as a Variant of Uncertain Significance. Algorithms developed to predict the effect of missense changes on protein structure and function (SIFT, PolyPhen-2, Align-GVGD) all suggest that this variant is likely to be tolerated, but these predictions have not been confirmed by published functional studies and their clinical significance is uncertain. This variant has not been reported in the literature in individuals with EGLN1-related conditions. The frequency data for this variant in the population databases is considered unreliable, as metrics indicate insufficient coverage at this position in the ExAC database. This sequence change replaces valine with methionine at codon 83 of the EGLN1 protein (p.Val83Met). The valine residue is weakly conserved and there is a small physicochemical difference between valine and methionine.

NM_022051.3(EGLN1):c.247G>A (p.Val83Met)

Gene: EGLN1 (egl-9 family hypoxia inducible factor 1; minus strand). Cytogenetic location: 1q42.2.
Variant type: single nucleotide variant.
Coding change: c.247G>A on transcript NM_022051.3 (MANE Select); coding-DNA position 247, G replaced by A.
Protein change: p.Val83Met; replaces valine 83 with methionine.
Molecular consequence: missense variant.
Genome position (GRCh38, 1-based): chr1:231,421,642, C>T on the plus strand (G>A on the coding strand, the complement: EGLN1 is on the minus strand). VCF-style: chr1-231421642-C-T. GRCh37 (hg19) VCF-style: chr1-231557388-C-T.
Other names: c.247G>A, p.Val83Met (NM_001377260.1, NM_001377261.1); short protein forms V83M.
Identifiers: ClinVar variation 1383753 (VCV001383753.11), dbSNP rs1451855470, ClinGen allele CA345238303.
Genomic context (GRCh38, chr1:231,421,642, plus strand): 5'-CGTTGTCCCGGCGCGCCGCTGCCTTCCTGGGCTCCCGGGCCCCGGCCCTGGGCGGCGGCA[C>T]TGCAGCCGGCGGCGCGGGGCCGGAATGCTGGTGTGGGCCCACTCCGTGGCCGAGGGCGCC-3'
Protein context (NP_071334.1, residues 73-93): QHSGPAPPAA[Val83Met]PPPRAGAREP